The following is an entry in ClinVar:

NM_001042492.3(NF1):c.1607C>A (p.Ser536Ter)

Gene: NF1 (neurofibromin 1; plus strand). Cytogenetic location: 17q11.2.
Variant type: single nucleotide variant.
Coding change: c.1607C>A on transcript NM_001042492.3 (MANE Select); coding-DNA position 1607, C replaced by A.
Protein change: p.Ser536Ter; replaces serine 536 with a stop codon.
Molecular consequence: nonsense.
Genome position (GRCh38, 1-based): chr17:31,219,084, C>A. VCF-style: chr17-31219084-C-A. GRCh37 (hg19) VCF-style: chr17-29546102-C-A.
Other names: c.1607C>A, p.Ser536Ter (NM_000267.4, NM_001128147.3); short protein forms S536*.
Identifiers: ClinVar variation 547596 (VCV000547596.6), dbSNP rs1555612859, ClinGen allele CA399001992.
Genomic context (GRCh38, chr17:31,219,084, plus strand): 5'-CCGAAACCCAAGGCAGTACAGCAGAATTAATTACAGGGCTCGTCCAACTGGTCCCTCAGT[C>A]ACACATGCCAGAGATTGCTCAGGAAGCAATGGAGGTAAGGGGAAAATGAATTCCATGTTC-3'

ClinVar aggregate classification (germline): Pathogenic. Review status: criteria provided, multiple submitters, no conflicts (2 of 4 stars). 4 submissions from 4 submitters: Pathogenic (4). Last evaluated 2025-10-27.

Conditions:
Hereditary cancer-predisposing syndrome. Also called: Neoplastic Syndromes, Hereditary; Hereditary neoplastic syndrome; Tumor predisposition; Hereditary Cancer Syndrome. Identifiers: Orphanet 140162, MedGen C0027672, MeSH D009386, MONDO:0015356.
Cardiovascular phenotype. Identifiers: MedGen CN230736.
Neurofibromatosis, type 1 (NF1). Also called: NEUROFIBROMATOSIS, TYPE I, SOMATIC; VON RECKLINGHAUSEN DISEASE; Peripheral type neurofibromatosis; Neurofibromatosis, type I. Identifiers: Orphanet 636, MedGen C0027831, MONDO:0018975, OMIM 162200. Disease mechanism: loss of function.

Submissions (4):

Ambry Genetics
Classification: Pathogenic for Cardiovascular phenotype; Hereditary cancer-predisposing syndrome. Last evaluated: 2025-10-27. Review status: criteria provided, single submitter. Criteria: Ambry Variant Classification Scheme 2023. Collection method: clinical testing. Allele origin: germline.
Comment: The p.S536* pathogenic mutation (also known as c.1607C>A), located in coding exon 14 of the NF1 gene, results from a C to A substitution at nucleotide position 1607. This changes the amino acid from a serine to a stop codon within coding exon 14. This variant was reported in individual(s) with features consistent with neurofibromatosis type 1 (NF1) (Messiaen LM et al. Hum Mutat, 2000;15:541-55). This variant is considered to be rare based on population cohorts in the Genome Aggregation Database (gnomAD). This alteration is expected to result in loss of function by premature protein truncation or nonsense-mediated mRNA decay. As such, this alteration is interpreted as a disease-causing mutation.

Genome-Nilou Lab
Classification: Pathogenic for Neurofibromatosis, type 1. Last evaluated: 2022-03-15. Review status: criteria provided, single submitter. Criteria: ACMG Guidelines, 2015. Collection method: clinical testing. Allele origin: germline. Affected: no.

Genome Diagnostics Laboratory, The Hospital for Sick Children
Classification: Pathogenic for Neurofibromatosis, type 1. Last evaluated: 2020-10-26. Review status: criteria provided, single submitter. Criteria: ACMG Guidelines, 2015. Collection method: clinical testing. Allele origin: germline. Affected: yes.

Center for Human Genetics, Inc
Classification: Pathogenic for Neurofibromatosis, type 1. Last evaluated: 2016-11-01. Review status: criteria provided, single submitter. Criteria: ACMG Guidelines, 2015. Collection method: clinical testing. Allele origin: germline. Affected: yes.

Literature cited by the submitters: PubMed 10862084 (cited by Ambry Genetics); PubMed 30530636 (cited by Ambry Genetics).